The following is an entry in ClinVar:

ClinVar aggregate classification (germline): Pathogenic (1 of 4 stars; one submission).

Submission:

GeneDx
Classification: Pathogenic. Last evaluated: 2019-03-01. Review status: criteria provided, single submitter. Criteria: GeneDx Variant Classification (06012015). Collection method: clinical testing. Allele origin: germline. Affected: yes.
Comment: The c.3004delA pathogenic variant in the TCF20 gene causes a frameshift starting with codon Arginine 1002, changes this amino acid to a Glycine residue and creates a premature Stop codon at position 15 of the new reading frame, denoted p.Arg1002GlyfsX15. This pathogenic variant is predicted to cause loss of normal protein function either through protein truncation or nonsense-mediated mRNA decay. The c.3004delA variant is not observed in large population cohorts (Lek et al., 2016). Although this pathogenic variant has not been previously reported to our knowledge, its presence is consistent with the diagnosis of a TCF20-related disorder in this individual.

NM_001378418.1(TCF20):c.3004del (p.Arg1002fs)

Gene: TCF20 (transcription factor 20; minus strand). Cytogenetic location: 22q13.2.
Variant type: Deletion.
Coding change: c.3004del on transcript NM_001378418.1 (MANE Select); coding-DNA position 3004, one base deleted (A; older notation c.3004delA).
Protein change: p.Arg1002fs; shifts the reading frame from arginine 1002.
Molecular consequence: frameshift variant.
Genome position (GRCh38, 1-based): chr22:42,212,302, T deleted on the plus strand (A on the coding strand, the reverse complement: TCF20 is on the minus strand). VCF-style (leftmost placement, unchanged base first): chr22-42212301-CT-C. GRCh37 (hg19) VCF-style: chr22-42608307-CT-C.
Other names: c.3004del, p.Arg1002fs (NM_005650.4, NM_181492.3); short protein forms R1002fs.
Identifiers: ClinVar variation 817483 (VCV000817483.1), dbSNP rs1601597286, ClinGen allele CA915951376.
Genomic context (GRCh38, chr22:42,212,301, plus strand): 5'-CGCCCAGGAGACATTTTCAATTTTTCTGCAAAGTCATGATATTGAGAAGGGGACCGACCC[CT>C]CATGCCCTCCCGACCACCAACTCTGCCAGGGACCCGCCGCATTGGCGTGGGTCTGCTGTC-3'